The following is an entry in ClinVar:

ClinVar aggregate classification (germline): Uncertain significance (1 of 4 stars; one submission).

Conditions:
Hereditary cancer-predisposing syndrome. Also called: Neoplastic Syndromes, Hereditary; Tumor predisposition; Hereditary neoplastic syndrome; Hereditary Cancer Syndrome. Identifiers: Orphanet 140162, MedGen C0027672, MeSH D009386, MONDO:0015356.

Submission:

Ambry Genetics
Classification: Uncertain significance for Hereditary cancer-predisposing syndrome. Last evaluated: 2023-02-12. Review status: criteria provided, single submitter. Criteria: Ambry Variant Classification Scheme 2023. Collection method: clinical testing. Allele origin: germline.
Comment: The p.G21A variant (also known as c.62G>C), located in coding exon 1 of the STK11 gene, results from a G to C substitution at nucleotide position 62. The glycine at codon 21 is replaced by alanine, an amino acid with similar properties. This amino acid position is conserved. In addition, this alteration is predicted to be tolerated by in silico analysis. Since supporting evidence is limited at this time, the clinical significance of this alteration remains unclear.

NM_000455.5(STK11):c.62G>C (p.Gly21Ala)

Gene: STK11 (serine/threonine kinase 11; plus strand). Cytogenetic location: 19p13.3.
Variant type: single nucleotide variant.
Coding change: c.62G>C on transcript NM_000455.5 (MANE Select); coding-DNA position 62, G replaced by C.
Protein change: p.Gly21Ala; replaces glycine 21 with alanine.
Molecular consequence: missense variant. On other transcripts: non-coding transcript variant (1).
Genome position (GRCh38, 1-based): chr19:1,206,975, G>C. VCF-style: chr19-1206975-G-C. GRCh37 (hg19) VCF-style: chr19-1206974-G-C.
Other names: c.62G>C, p.Gly21Ala (NM_001407255.1); short protein forms G21A.
Identifiers: ClinVar variation 2452001 (VCV002452001.2), dbSNP rs2145404676, ClinGen allele CA402943392.